The following is an entry in ClinVar:

NM_000117.3(EMD):c.676_677del (p.Trp226fs)

Gene: EMD (emerin; plus strand). Cytogenetic location: Xq28.
Variant type: Deletion.
Coding change: c.676_677del on transcript NM_000117.3 (MANE Select); coding-DNA positions 676 to 677, 2 bases deleted (TG; older notation c.676_677delTG).
Protein change: p.Trp226fs; shifts the reading frame from tryptophan 226.
Molecular consequence: frameshift variant.
Genome position (GRCh38, 1-based): chrX:154,381,108-154,381,109, TG deleted. VCF-style (leftmost placement, unchanged base first): chrX-154381107-CTG-C. GRCh37 (hg19) VCF-style: chrX-153609467-CTG-C.
Other names: short protein forms W226fs.
Identifiers: ClinVar variation 2764042 (VCV002764042.3), dbSNP rs2522790701, ClinGen allele CA2697544789.

ClinVar aggregate classification (germline): Pathogenic (1 of 4 stars; one submission).

Conditions:
X-linked Emery-Dreifuss muscular dystrophy. Also called: Muscular dystrophy, tardive Emery-Dreifuss type, with contractures. Identifiers: Orphanet 261, Orphanet 98863, MedGen C0751337, MONDO:0010680.

Submission:

Labcorp Genetics (formerly Invitae), Labcorp
Classification: Pathogenic for X-linked Emery-Dreifuss muscular dystrophy. Last evaluated: 2023-09-28. Review status: criteria provided, single submitter. Criteria: Invitae Variant Classification Sherloc (09022015). Collection method: clinical testing. Allele origin: germline.
Comment: This sequence change creates a premature translational stop signal (p.Trp226Glyfs*23) in the EMD gene. While this is not anticipated to result in nonsense mediated decay, it is expected to disrupt the last 29 amino acid(s) of the EMD protein. This variant is not present in population databases (gnomAD no frequency). This variant has not been reported in the literature in individuals affected with EMD-related conditions. This variant disrupts a region of the EMD protein in which other variant(s) (p.Trp226*) have been determined to be pathogenic (PMID: 8589715, 31977013). This suggests that this is a clinically significant region of the protein, and that variants that disrupt it are likely to be disease-causing. For these reasons, this variant has been classified as Pathogenic.

Literature cited by the submitters: PubMed 8589715; PubMed 31977013.